The following is an entry in ClinVar:

ClinVar aggregate classification (germline): Pathogenic. Review status: criteria provided, multiple submitters, no conflicts (2 of 4 stars). 2 submissions from 2 submitters: Pathogenic (2). Last evaluated 2023-08-30.

Conditions:
Familial adenomatous polyposis 1 (FAP1). Also called: FAMILIAL ADENOMATOUS POLYPOSIS 1, ATTENUATED; POLYPOSIS, ADENOMATOUS INTESTINAL. Identifiers: MedGen C2713442, MONDO:0021056, OMIM 175100. Disease mechanism: loss of function.

Submissions (2):

Labcorp Genetics (formerly Invitae), Labcorp
Classification: Pathogenic for Familial adenomatous polyposis 1. Last evaluated: 2023-08-30. Review status: criteria provided, single submitter. Criteria: Invitae Variant Classification Sherloc (09022015). Collection method: clinical testing. Allele origin: germline.
Comment: For these reasons, this variant has been classified as Pathogenic. A different truncation (p.Tyr2645Lysfs*14) that lies downstream of this variant has been determined to be pathogenic (PMID: 9824584, 1316610, 27081525, 8381579, 22135120, Invitae). This suggests that deletion of this region of the APC protein is causative of disease. This variant has not been reported in the literature in individuals affected with APC-related conditions. This variant is not present in population databases (gnomAD no frequency). This sequence change creates a premature translational stop signal (p.Ser1110Glnfs*16) in the APC gene. While this is not anticipated to result in nonsense mediated decay, it is expected to disrupt the last 1734 amino acid(s) of the APC protein. This variant is expected to disrupt the EB1 and HDLG binding sites, which mediate interactions with the cytoskeleton (PMID: 15311282, 17293347). While functional studies have not been performed to directly test the effect on APC protein function, this suggests that disruption of the C-terminal portion of the protein is functionally important.

Myriad Genetics, Inc.
Classification: Pathogenic for Familial adenomatous polyposis 1. Last evaluated: 2023-05-08. Review status: criteria provided, single submitter. Criteria: Myriad Autosomal Dominant, Autosomal Recessive and X-Linked Classification Criteria (2023). Collection method: clinical testing. Allele origin: unknown.
Comment: This variant is considered pathogenic. This variant creates a frameshift predicted to result in premature protein truncation.

Literature cited by the submitters: PubMed 9824584 (cited by Labcorp Genetics (formerly Invitae), Labcorp); PubMed 1316610 (cited by Labcorp Genetics (formerly Invitae), Labcorp); PubMed 27081525 (cited by Labcorp Genetics (formerly Invitae), Labcorp); PubMed 8381579 (cited by Labcorp Genetics (formerly Invitae), Labcorp); PubMed 22135120 (cited by Labcorp Genetics (formerly Invitae), Labcorp); PubMed 15311282 (cited by Labcorp Genetics (formerly Invitae), Labcorp); PubMed 17293347 (cited by Labcorp Genetics (formerly Invitae), Labcorp).

NM_000038.6(APC):c.3328del (p.Ser1110fs)

Gene: APC (APC regulator of Wnt signaling pathway; plus strand). Cytogenetic location: 5q22.2.
Variant type: Deletion.
Coding change: c.3328del on transcript NM_000038.6 (MANE Select); coding-DNA position 3328, one base deleted (T; older notation c.3328delT).
Protein change: p.Ser1110fs; shifts the reading frame from serine 1110.
Molecular consequence: frameshift variant. On other transcripts: non-coding transcript variant (2).
Genome position (GRCh38, 1-based): chr5:112,838,922, T deleted; the last of 2 consecutive T bases (chr5:112,838,921-112,838,922); deleting either gives the same sequence. VCF-style (leftmost placement, unchanged base first): chr5-112838920-GT-G. GRCh37 (hg19) VCF-style: chr5-112174617-GT-G.
Other names: c.3328del, p.Ser1110fs (NM_001127510.3, NM_001354895.2, NM_001407450.1); c.3274del, p.Ser1092fs (NM_001127511.3); c.3382del, p.Ser1128fs (NM_001354896.2, NM_001407447.1, NM_001407448.1 and 1 more transcripts); c.3358del, p.Ser1120fs (NM_001354897.2); c.3253del, p.Ser1085fs (NM_001354898.2); c.3244del, p.Ser1082fs (NM_001354899.2); c.3205del, p.Ser1069fs (NM_001354900.2); c.3151del, p.Ser1051fs (NM_001354901.2, NM_001407453.1); and 11 more; short protein forms S1009fs, S1019fs, S1027fs, S1051fs, S1069fs, S1082fs, S1085fs, S1092fs.
Identifiers: ClinVar variation 2583998 (VCV002583998.5), dbSNP rs2533489998, ClinGen allele CA2582341509.
Genomic context (GRCh38, chr5:112,838,920, plus strand): 5'-TCCAACCACATTTTGGACAGCAGGAATGTGTTTCTCCATACAGGTCACGGGGAGCCAATG[GT>G]TCAGAAACAAATCGAGTGGGTTCTAATCATGGAATTAATCAAAATGTAAGCCAGTCTTTG-3'